The following is an entry in ClinVar:

NM_001042702.5(PJVK):c.550-2A>C

Gene: PJVK (pejvakin; plus strand). Cytogenetic location: 2q31.2.
Variant type: single nucleotide variant.
Coding change: c.550-2A>C on transcript NM_001042702.5 (MANE Select); the canonical splice acceptor site of the intron before coding-DNA position 550, A replaced by C.
Molecular consequence: splice acceptor variant.
Genome position (GRCh38, 1-based): chr2:178,458,508, A>C. VCF-style: chr2-178458508-A-C. GRCh37 (hg19) VCF-style: chr2-179323235-A-C.
Other names: c.73-2A>C (NM_001353777.1, NM_001353778.2); c.559-2A>C (NM_001353775.2); c.655-2A>C (NM_001353776.2); c.550-2A>C (NM_001369912.1).
Identifiers: ClinVar variation 4993306 (VCV004993306.1).

ClinVar aggregate classification (germline): Likely pathogenic (1 of 4 stars; one submission).

Conditions:
PJVK-related disorder. Also called: PJVK-related condition.

gnomAD v4.1: 1 of 1,582,648 alleles (0.000063%); highest among the groups gnomAD compares: Non-Finnish European, 0.000087%; no homozygotes.

Submission:

PreventionGenetics, part of Exact Sciences
Classification: Likely pathogenic for PJVK-related condition. Last evaluated: 2026-03-26. Review status: criteria provided, single submitter. Criteria: ACMG Guidelines, 2015. Collection method: clinical testing. Allele origin: germline.
Comment: The PJVK c.550-2A>C variant is predicted to disrupt the AG splice acceptor site and interfere with normal splicing. To our knowledge, this variant has not been reported in the literature or in a large population database (gnomAD), indicating this variant is rare. Variants that disrupt the consensus splice acceptor site in PJVK are expected to be pathogenic. This variant is interpreted as likely pathogenic.